The following is an entry in ClinVar:

NM_001330311.2(DVL1):c.425_428del (p.Ser142fs)

Gene: DVL1 (dishevelled segment polarity protein 1; minus strand). Cytogenetic location: 1p36.33.
Variant type: Microsatellite.
Coding change: c.425_428del on transcript NM_001330311.2 (MANE Select); coding-DNA positions 425 to 428, 4 bases deleted (GTCA; older notation c.425_428delGTCA).
Protein change: p.Ser142fs; shifts the reading frame from serine 142.
Molecular consequence: frameshift variant.
Genome position (GRCh38, 1-based): chr1:1,342,091-1,342,094, TGAC deleted on the plus strand (GTCA on the coding strand, the reverse complement: DVL1 is on the minus strand); deleting any 4 consecutive bases within chr1:1,342,091-1,342,098 gives the same sequence; the c. name uses the placement nearest the transcript's 3' end. VCF-style (leftmost placement, unchanged base first): chr1-1342090-GTGAC-G. GRCh37 (hg19) VCF-style: chr1-1277470-GTGAC-G.
Other names: c.425_428del, p.Ser142fs (NM_004421.3); short protein forms S142fs.
Identifiers: ClinVar variation 1204522 (VCV001204522.3), dbSNP rs1186162553, ClinGen allele CA888035938.

ClinVar aggregate classification (germline): Uncertain significance (1 of 4 stars; one submission).

Submission:

GeneDx
Classification: Uncertain significance. Last evaluated: 2020-12-11. Review status: criteria provided, single submitter. Criteria: GeneDx Variant Classification Process June 2021. Collection method: clinical testing. Allele origin: germline. Affected: yes.
Comment: Frameshift variant predicted to result in protein truncation or nonsense mediated decay in a gene for which loss-of-function is not a known mechanism of disease; Not observed in large population cohorts (Lek et al., 2016); Has not been previously published as pathogenic or benign to our knowledge